The following is an entry in ClinVar:

NM_020975.6(RET):c.1864C>T (p.Pro622Ser)

Gene: RET (ret proto-oncogene; plus strand). Cytogenetic location: 10q11.21.
Variant type: single nucleotide variant.
Coding change: c.1864C>T on transcript NM_020975.6 (MANE Select); coding-DNA position 1864, C replaced by T.
Protein change: p.Pro622Ser; replaces proline 622 with serine.
Molecular consequence: missense variant.
Genome position (GRCh38, 1-based): chr10:43,113,660, C>T. VCF-style: chr10-43113660-C-T. GRCh37 (hg19) VCF-style: chr10-43609108-C-T.
Other names: c.1102C>T, p.Pro368Ser (NM_001355216.2); c.1864C>T, p.Pro622Ser (NM_001406743.1, NM_001406744.1, NM_001406759.1 and 6 more transcripts); c.1735C>T, p.Pro579Ser (NM_001406761.1, NM_001406762.1, NM_001406764.1 and 1 more transcripts); c.1576C>T, p.Pro526Ser (NM_001406766.1, NM_001406767.1, NM_001406770.1); c.1468C>T, p.Pro490Ser (NM_001406769.1, NM_001406772.1); c.1426C>T, p.Pro476Ser (NM_001406771.1, NM_001406773.1); c.1339C>T, p.Pro447Ser (NM_001406774.1); c.1138C>T, p.Pro380Ser (NM_001406775.1, NM_001406776.1, NM_001406777.1 and 1 more transcripts); and 5 more; short protein forms P139S, P447S, P476S, P579S, P622S, P227S, P280S, P323S.
Identifiers: ClinVar variation 1781557 (VCV001781557.2), dbSNP rs2132831442, ClinGen allele CA376552834.

ClinVar aggregate classification (germline): Uncertain significance (1 of 4 stars; one submission).

Conditions:
Hereditary cancer-predisposing syndrome. Also called: Neoplastic Syndromes, Hereditary; Tumor predisposition; Hereditary Cancer Syndrome; Hereditary neoplastic syndrome. Identifiers: Orphanet 140162, MedGen C0027672, MeSH D009386, MONDO:0015356.

Submission:

Ambry Genetics
Classification: Uncertain significance for Hereditary cancer-predisposing syndrome. Last evaluated: 2021-11-16. Review status: criteria provided, single submitter. Criteria: Ambry Variant Classification Scheme 2023. Collection method: clinical testing. Allele origin: germline.
Comment: The p.P622S variant (also known as c.1864C>T), located in coding exon 10 of the RET gene, results from a C to T substitution at nucleotide position 1864. The proline at codon 622 is replaced by serine, an amino acid with similar properties. This amino acid position is not well conserved in available vertebrate species. In addition, the in silico prediction for this alteration is inconclusive. Since supporting evidence is limited at this time, the clinical significance of this alteration remains unclear.